The following is an entry in ClinVar:

ClinVar aggregate classification (germline): Uncertain significance (1 of 4 stars; one submission).

Conditions:
Inborn genetic diseases. Identifiers: MedGen C0950123, MeSH D030342.

Submission:

Ambry Genetics
Classification: Uncertain significance for Inborn genetic diseases. Last evaluated: 2025-02-14. Review status: criteria provided, single submitter. Criteria: Ambry Variant Classification Scheme 2023. Collection method: clinical testing. Allele origin: germline.
Comment: The p.L542P variant (also known as c.1625T>C), located in coding exon 7 of the SH2B3 gene, results from a T to C substitution at nucleotide position 1625. The leucine at codon 542 is replaced by proline, an amino acid with similar properties. This amino acid position is conserved. In addition, this alteration is predicted to be tolerated by in silico analysis. Based on the available evidence, the clinical significance of this variant remains unclear.

NM_005475.3(SH2B3):c.1625T>C (p.Leu542Pro)

Gene: SH2B3 (SH2B adaptor protein 3; plus strand). Cytogenetic location: 12q24.12.
Variant type: single nucleotide variant.
Coding change: c.1625T>C on transcript NM_005475.3 (MANE Select); coding-DNA position 1625, T replaced by C.
Protein change: p.Leu542Pro; replaces leucine 542 with proline.
Molecular consequence: missense variant.
Genome position (GRCh38, 1-based): chr12:111,448,199, T>C. VCF-style: chr12-111448199-T-C. GRCh37 (hg19) VCF-style: chr12-111886003-T-C.
Other names: c.1019T>C, p.Leu340Pro (NM_001291424.1); short protein forms L340P, L542P.
Identifiers: ClinVar variation 3795192 (VCV003795192.1).